The following is an entry in ClinVar:

ClinVar aggregate classification (germline): Pathogenic/Likely pathogenic. Review status: criteria provided, multiple submitters, no conflicts (2 of 4 stars). 11 submissions from 11 submitters: Pathogenic (5); Likely pathogenic (6). Last evaluated 2026-01-25.

Conditions:
Inborn genetic diseases. Identifiers: MedGen C0950123, MeSH D030342.
Pontoneocerebellar hypoplasia. Also called: Pontocerebellar hypoplasia; Non-syndromic pontocerebellar hypoplasia. Identifiers: Orphanet 98523, MedGen C1261175, MONDO:0020135.
Pontocerebellar hypoplasia type 6 (PCH6). Identifiers: Orphanet 166073, MedGen C1969084, MONDO:0012683, OMIM 611523.

Allele frequency attached by ClinVar (database versions not stated): gnomAD 0.00003; gnomAD exomes 0.00010 and 0.00022; TOPMed 0.00010; ExAC 0.00028.
gnomAD v4.1: 64 of 1,613,180 alleles (0.004%); highest among the groups gnomAD compares: Admixed American, 0.11%; no homozygotes.

Submissions (11):

Labcorp Genetics (formerly Invitae), Labcorp
Classification: Pathogenic. Last evaluated: 2026-01-25. Review status: criteria provided, single submitter. Criteria: Invitae Variant Classification Sherloc (09022015). Collection method: clinical testing. Allele origin: germline.
Comment: This sequence change replaces phenylalanine, which is neutral and non-polar, with cysteine, which is neutral and slightly polar, at codon 140 of the RARS2 protein (p.Phe140Cys). This variant is present in population databases (rs772887102, gnomAD 0.2%). This missense change has been observed in individual(s) with clinical features of pontocerebellar hypoplasia and/or pontocerebellar hypoplasia (PMID: 26795593). In at least one individual the data is consistent with being in trans (on the opposite chromosome) from a pathogenic variant. ClinVar contains an entry for this variant (Variation ID: 215055). Invitae Evidence Modeling of protein sequence and biophysical properties (such as structural, functional, and spatial information, amino acid conservation, physicochemical variation, residue mobility, and thermodynamic stability) indicates that this missense variant is expected to disrupt RARS2 protein function with a positive predictive value of 95%. For these reasons, this variant has been classified as Pathogenic.

CeGaT Center for Human Genetics Tuebingen
Classification: Pathogenic. Last evaluated: 2026-01-01. Review status: criteria provided, single submitter. Criteria: CeGaT Center For Human Genetics Tuebingen Variant Classification Criteria Version 2. Collection method: clinical testing. Allele origin: germline. Affected: yes. Observed: 2 variant alleles.
Comment: RARS2: PM3:Very Strong, PM2, PP3

Natera, Inc.
Classification: Likely pathogenic for Pontocerebellar hypoplasia, type 6. Last evaluated: 2025-08-15. Review status: criteria provided, single submitter. Criteria: Natera Variant Classification Schema (03/2026). Collection method: clinical testing. Allele origin: germline.
Comment: The c.419T>G variant in RARS2 is a missense variant predicted to cause substitution of phenylalanine to cysteine at amino acid 140. The frequency of this variant in the general population is greater than expected for disorder. This variant has been observed in one or more individuals affected with the associated recessive disease, as either homozygous or compound heterozygous with a second variant (PMID: 26795593, 30921410). Computational prediction algorithms indicate this variant is likely to affect gene or protein function. Given the available evidence, this variant is classified as Likely Pathogenic.

GeneDx
Classification: Likely pathogenic. Last evaluated: 2025-07-24. Review status: criteria provided, single submitter. Criteria: GeneDx Variant Classification Process June 2021. Collection method: clinical testing. Allele origin: germline. Affected: yes.
Comment: In silico analysis supports that this missense variant has a deleterious effect on protein structure/function; This variant is associated with the following publications: (PMID: 25356970, 26795593, 30921410, 31216405, 34717047, 31160820, 37334785, 38438854)

Rady Children's Institute for Genomic Medicine, Rady Children's Hospital San Diego
Classification: Pathogenic for Pontocerebellar hypoplasia, type 6. Last evaluated: 2024-11-02. Review status: criteria provided, single submitter. Criteria: ACMG Guidelines, 2015. Collection method: clinical testing. Allele origin: germline. Affected: yes.
Comment: The c.419T>G (p.Phe140Cys) variant affects a highly conserved amino acid and is predicted by multiple in silico tools to have a deleterious effect on protein function. This variant has been previously reported as a compound heterozygous change in individuals with pontocerebellar hypoplasia (PMID: 25356970, 26795593, 30921410, 31216405, 38438854). The c.419T>G (p.Phe140Cys) variant is present in the heterozygous state in the gnomAD v4 population database at a frequency of 0.004% (64/1613180), and is absent in the homozygous state, thus is presumed to be rare. Based on the available evidence, c.419T>G (p.Phe140Cys) is classified as Pathogenic.

Baylor Genetics
Classification: Pathogenic for Pontocerebellar hypoplasia type 6. Last evaluated: 2024-03-15. Review status: criteria provided, single submitter. Criteria: ACMG Guidelines, 2015. Collection method: clinical testing. Allele origin: unknown.

Fulgent Genetics
Classification: Likely pathogenic for Pontocerebellar hypoplasia type 6. Last evaluated: 2024-02-22. Review status: criteria provided, single submitter. Criteria: ACMG Guidelines, 2015. Collection method: clinical testing. Allele origin: germline.

Revvity Omics, Revvity
Classification: Likely pathogenic for Pontocerebellar hypoplasia type 6. Last evaluated: 2023-07-25. Review status: criteria provided, single submitter. Criteria: ACMG Guidelines, 2015. Collection method: clinical testing. Allele origin: germline.

Women's Health and Genetics/Laboratory Corporation of America, LabCorp
Classification: Likely pathogenic for Pontoneocerebellar hypoplasia. Last evaluated: 2022-04-29. Review status: criteria provided, single submitter. Criteria: LabCorp Variant Classification Summary - May 2015. Collection method: clinical testing. Allele origin: germline.
Comment: Variant summary: RARS2 c.419T>G (p.Phe140Cys) results in a non-conservative amino acid change located in the Arginyl-tRNA synthetase, catalytic core domain (IPR035684) of the encoded protein sequence. Five of five in-silico tools predict a damaging effect of the variant on protein function. The variant allele was found at a frequency of 0.00022 in 250154 control chromosomes. This frequency is not significantly higher than estimated for a pathogenic variant in RARS2 causing Pontocerebellar Hypoplasia, Type 6 (0.00022 vs 0.0011), allowing no conclusion about variant significance. c.419T>G has been reported in the literature as a compound heterozygous genotype in individuals with features of RARS1-related disorders such as Pontocerebellar Hypoplasia, Type 6 and early-infantile (<12 weeks) developmental and epileptic encephalopathy undergoing Diagnostic Exome Sequencing (WES) analysis (example, Farwell_2015, Heiberg_2016, Liu_2019, de Valles-Ibanez_2022). These data indicate that the variant is likely to be associated with disease. To our knowledge, no experimental evidence demonstrating an impact on protein function has been reported. Three clinical diagnostic laboratories have submitted clinical-significance assessments for this variant to ClinVar after 2014 without evidence for independent evaluation. All laboratories classified the variant as pathogenic/likely pathogenic. Based on the evidence outlined above, the variant was classified as likely pathogenic.

Undiagnosed Diseases Network, NIH
Classification: Pathogenic for Pontocerebellar hypoplasia type 6. Last evaluated: 2016-10-07. Review status: criteria provided, single submitter. Criteria: ACMG Guidelines, 2015. Collection method: clinical testing. Allele origin: paternal. Inheritance: Autosomal recessive inheritance. Affected: yes. Observed: 2 variant alleles, 2 compound heterozygotes. Clinical features observed: Seizures (HP:0001250), Scoliosis (HP:0002650), Progressive spasticity (HP:0002191), Postnatal microcephaly (HP:0005484), Microcephaly (HP:0000252), Global developmental delay (HP:0001263), Flexion contracture (HP:0001371), Chalazion (HP:0010605). Study: Undiagnosed Diseases Network (NIH), UDN.
Comment: The c.1612delA change predicts a translation reading frameshift at amino acid 538 (p.T538fs) with subsequent premature translation termination and therefore is classified as pathogenic. The c.419T>G (p.F140C) variant has been previously reported as disease causing [PMID 26795593, 25356970].

Ambry Genetics
Classification: Likely pathogenic for Inborn genetic diseases. Last evaluated: 2013-07-01. Review status: criteria provided, single submitter. Criteria: Ambry Autosomal Dominant and X-Linked criteria (10/2015). Collection method: clinical testing. Allele origin: germline. Observed: 1 variant allele.

Literature cited by the submitters: PubMed 26795593 (cited by 4 submitters); PubMed 30921410 (cited by Natera, Inc. and Rady Children's Institute for Genomic Medicine, Rady Children's Hospital San Diego); PubMed 25356970 (cited by Rady Children's Institute for Genomic Medicine, Rady Children's Hospital San Diego and Women's Health and Genetics/Laboratory Corporation of America, LabCorp); PubMed 31216405 (cited by Rady Children's Institute for Genomic Medicine, Rady Children's Hospital San Diego and Women's Health and Genetics/Laboratory Corporation of America, LabCorp); PubMed 38438854 (cited by Rady Children's Institute for Genomic Medicine, Rady Children's Hospital San Diego); PubMed 34717047 (cited by Women's Health and Genetics/Laboratory Corporation of America, LabCorp).

NM_020320.5(RARS2):c.419T>G (p.Phe140Cys)

Gene: RARS2 (arginyl-tRNA synthetase 2, mitochondrial; minus strand). Cytogenetic location: 6q15.
Variant type: single nucleotide variant.
Coding change: c.419T>G on transcript NM_020320.5 (MANE Select); coding-DNA position 419, T replaced by G.
Protein change: p.Phe140Cys; replaces phenylalanine 140 with cysteine.
Molecular consequence: missense variant. On other transcripts: 5 prime UTR variant (5), non-coding transcript variant (15), intron variant (2).
Genome position (GRCh38, 1-based): chr6:87,548,623, A>C on the plus strand (T>G on the coding strand, the complement: RARS2 is on the minus strand). VCF-style: chr6-87548623-A-C. GRCh37 (hg19) VCF-style: chr6-88258341-A-C.
Other names: c.419T>G, p.Phe140Cys (NM_001350505.2); c.-107T>G (NM_001350506.2, NM_001350507.2, NM_001350508.2 and 2 more transcripts); c.-74-2924T>G (NM_001350509.2, NM_001318785.2); short protein forms F140C.
Identifiers: ClinVar variation 215055 (VCV000215055.41), dbSNP rs772887102, ClinGen allele CA324551.